The following is an entry in ClinVar:

ClinVar aggregate classification (germline): Uncertain significance (1 of 4 stars; one submission).

Conditions:
Ataxia-telangiectasia syndrome (AT). Also called: LOUIS-BAR SYNDROME; Cerebello-oculocutaneous telangiectasia; Immunodeficiency with ataxia telangiectasia; Ataxia telangiectasia (A-T); Ataxia-telangiectasia, complementation group D; AT, COMPLEMENTATION GROUP C. Identifiers: Orphanet 100, MedGen C0004135, MONDO:0008840, OMIM 208900.

Submission:

Labcorp Genetics (formerly Invitae), Labcorp
Classification: Uncertain significance for Ataxia-telangiectasia syndrome. Last evaluated: 2023-04-25. Review status: criteria provided, single submitter. Criteria: Invitae Variant Classification Sherloc (09022015). Collection method: clinical testing. Allele origin: germline.
Comment: In summary, the available evidence is currently insufficient to determine the role of this variant in disease. Therefore, it has been classified as a Variant of Uncertain Significance. Algorithms developed to predict the effect of missense changes on protein structure and function output the following: SIFT: "Not Available"; PolyPhen-2: "Benign"; Align-GVGD: "Not Available". The serine amino acid residue is found in multiple mammalian species, which suggests that this missense change does not adversely affect protein function. This variant has not been reported in the literature in individuals affected with ATM-related conditions. This variant is not present in population databases (gnomAD no frequency). This sequence change replaces proline, which is neutral and non-polar, with serine, which is neutral and polar, at codon 2575 of the ATM protein (p.Pro2575Ser).

NM_000051.4(ATM):c.7723C>T (p.Pro2575Ser)

Genes: ATM (ATM serine/threonine kinase; plus strand), C11orf65 (chromosome 11 open reading frame 65; minus strand). Cytogenetic location: 11q22.3.
Variant type: single nucleotide variant.
Coding change: c.7723C>T on transcript NM_000051.4 (MANE Select); coding-DNA position 7723, C replaced by T.
Protein change: p.Pro2575Ser; replaces proline 2575 with serine.
Molecular consequence: missense variant. On other transcripts: intron variant (2).
Genome position (GRCh38, 1-based): chr11:108,331,972, C>T. VCF-style: chr11-108331972-C-T. GRCh37 (hg19) VCF-style: chr11-108202699-C-T.
Other names: c.7723C>T, p.Pro2575Ser (NM_001351834.2); c.641-22901G>A (NM_001330368.2); c.*38+3248G>A (NM_001351110.2); short protein forms P2575S.
Identifiers: ClinVar variation 2857826 (VCV002857826.3), dbSNP rs2136523610, ClinGen allele CA382561089.
Genomic context (GRCh38, chr11:108,331,972, plus strand): 5'-CACACTTTGTTTATTATACTGGCCTTAGCAAATGCAAACAGAGATGAATTTCTGACTAAA[C>T]CAGAGGTAGCCAGAAGAAGCAGAATAACTAAAAATGTGCCTAAACAAAGCTCTCAGCTTG-3'
Protein context (NP_000042.3, residues 2565-2585): NANRDEFLTK[Pro2575Ser]EVARRSRITK